The following is an entry in ClinVar:

NC_000001.10:g.(?_115575984)_(115576848_?)del

Gene: TSHB (thyroid stimulating hormone subunit beta; plus strand). Cytogenetic location: 1p13.2.
Variant type: Deletion.
Identifiers: ClinVar variation 3247895 (VCV003247895.1).

ClinVar aggregate classification (germline): Pathogenic (1 of 4 stars; one submission).

Submission:

Labcorp Genetics (formerly Invitae), Labcorp
Classification: Pathogenic. Last evaluated: 2023-10-10. Review status: criteria provided, single submitter. Criteria: Invitae Variant Classification Sherloc (09022015). Collection method: clinical testing. Allele origin: unknown.
Comment: A gross deletion of the genomic region encompassing the full coding sequence of the TSHB gene has been identified. Loss-of-function variants in TSHB are known to be pathogenic (PMID: 1971148, 15112912, 26416826). The boundaries of this event are unknown as they extend beyond the assayed region for this gene and therefore may encompass additional genes. This variant has not been reported in the literature in individuals affected with TSHB-related conditions. For these reasons, this variant has been classified as Pathogenic.

Literature cited by the submitters: PubMed 1971148; PubMed 15112912; PubMed 26416826.